The following is an entry in ClinVar:

NM_001621.5(AHR):c.320G>T (p.Arg107Ile)

Gene: AHR (aryl hydrocarbon receptor; plus strand). Cytogenetic location: 7p21.1.
Variant type: single nucleotide variant.
Coding change: c.320G>T on transcript NM_001621.5 (MANE Select); coding-DNA position 320, G replaced by T.
Protein change: p.Arg107Ile; replaces arginine 107 with isoleucine.
Molecular consequence: missense variant.
Genome position (GRCh38, 1-based): chr7:17,322,567, G>T. VCF-style: chr7-17322567-G-T. GRCh37 (hg19) VCF-style: chr7-17362191-G-T.
Other names: short protein forms R107I.
Identifiers: ClinVar variation 933821 (VCV000933821.5), dbSNP rs150911949, ClinGen allele CA4171787.

ClinVar aggregate classification (germline): Uncertain significance. Review status: criteria provided, multiple submitters, no conflicts (2 of 4 stars). 2 submissions from 2 submitters: Uncertain significance (2). Last evaluated 2026-08-24.

Conditions:
AHR-related disorder. Also called: AHR-related condition.

Allele frequency attached by ClinVar (database versions not stated): 1000 Genomes Project 30x 0.00016; 1000 Genomes Project 0.00020; ExAC 0.00032; gnomAD exomes 0.00032 and 0.00086; TOPMed 0.00032; gnomAD 0.00036 and 0.00038; ESP Exome Variant Server 0.00038.
gnomAD v4.1: 1,285 of 1,612,754 alleles (0.08%); highest among the groups gnomAD compares: Non-Finnish European, 0.11%; no homozygotes.

Submissions (2):

PreventionGenetics, part of Exact Sciences
Classification: Uncertain significance for AHR-related condition. Last evaluated: 2026-08-24. Review status: criteria provided, single submitter. Criteria: ACMG Guidelines, 2015. Collection method: clinical testing. Allele origin: germline.
Comment: The AHR c.320G>T variant is predicted to result in the amino acid substitution p.Arg107Ile. To our knowledge, this variant has not been reported in the literature. This variant is reported in 0.061% of alleles in individuals of European (Non-Finnish) descent in gnomAD. At this time, the clinical significance of this variant is uncertain due to the absence of conclusive functional and genetic evidence.

Labcorp Genetics (formerly Invitae), Labcorp
Classification: Uncertain significance. Last evaluated: 2022-09-13. Review status: criteria provided, single submitter. Criteria: Invitae Variant Classification Sherloc (09022015). Collection method: clinical testing. Allele origin: germline.
Comment: This sequence change replaces arginine, which is basic and polar, with isoleucine, which is neutral and non-polar, at codon 107 of the AHR protein (p.Arg107Ile). This variant is present in population databases (rs150911949, gnomAD 0.06%). This variant has not been reported in the literature in individuals affected with AHR-related conditions. ClinVar contains an entry for this variant (Variation ID: 933821). Algorithms developed to predict the effect of missense changes on protein structure and function are either unavailable or do not agree on the potential impact of this missense change (SIFT: "Deleterious"; PolyPhen-2: "Benign"; Align-GVGD: "Class C0"). In summary, the available evidence is currently insufficient to determine the role of this variant in disease. Therefore, it has been classified as a Variant of Uncertain Significance.